The following is an entry in ClinVar:

ClinVar aggregate classification (germline): Uncertain significance (1 of 4 stars; one submission).

Conditions:
Bethlem myopathy 1A. Also called: Bethlem myopathy 1; Bethlem Muscular Dystrophy; MYOPATHY, BENIGN CONGENITAL, WITH CONTRACTURES. Identifiers: Orphanet 610, MedGen CN029274, MONDO:0024530, OMIM 158810.

Allele frequency attached by ClinVar (database versions not stated): gnomAD exomes below 0.00001; gnomAD 0.00001; TOPMed 0.00001.
gnomAD v4.1: 4 of 1,594,800 alleles (0.00025%); highest among the groups gnomAD compares: African/African-American, 0.0013%; no homozygotes.

Submission:

Labcorp Genetics (formerly Invitae), Labcorp
Classification: Uncertain significance for Bethlem myopathy 1A. Last evaluated: 2023-10-26. Review status: criteria provided, single submitter. Criteria: Invitae Variant Classification Sherloc (09022015). Collection method: clinical testing. Allele origin: germline.
Comment: This sequence change falls in intron 19 of the COL6A1 gene. It does not directly change the encoded amino acid sequence of the COL6A1 protein. It affects a nucleotide within the consensus splice site. This variant is not present in population databases (gnomAD no frequency). This variant has not been reported in the literature in individuals affected with COL6A1-related conditions. Variants that disrupt the consensus splice site are a relatively common cause of aberrant splicing (PMID: 17576681, 9536098). Algorithms developed to predict the effect of sequence changes on RNA splicing suggest that this variant is not likely to affect RNA splicing. In summary, the available evidence is currently insufficient to determine the role of this variant in disease. Therefore, it has been classified as a Variant of Uncertain Significance.

Literature cited by the submitters: PubMed 17576681; PubMed 9536098.

NM_001848.3(COL6A1):c.1335+3G>A

Gene: COL6A1 (collagen type VI alpha 1 chain; plus strand). Cytogenetic location: 21q22.3.
Variant type: single nucleotide variant.
Coding change: c.1335+3G>A on transcript NM_001848.3 (MANE Select); 3 bases into the intron after coding-DNA position 1335, G replaced by A.
Molecular consequence: intron variant.
Genome position (GRCh38, 1-based): chr21:45,992,813, G>A. VCF-style: chr21-45992813-G-A. GRCh37 (hg19) VCF-style: chr21-47412727-G-A.
Identifiers: ClinVar variation 2731907 (VCV002731907.3), dbSNP rs1205544253, ClinGen allele CA749834123.